The following is an entry in ClinVar:

NM_000326.5(RLBP1):c.917T>C (p.Phe306Ser)

Gene: RLBP1 (retinaldehyde binding protein 1; minus strand). Cytogenetic location: 15q26.1.
Variant type: single nucleotide variant.
Coding change: c.917T>C on transcript NM_000326.5 (MANE Select); coding-DNA position 917, T replaced by C.
Protein change: p.Phe306Ser; replaces phenylalanine 306 with serine.
Molecular consequence: missense variant.
Genome position (GRCh38, 1-based): chr15:89,210,322, A>G on the plus strand (T>C on the coding strand, the complement: RLBP1 is on the minus strand). VCF-style: chr15-89210322-A-G. GRCh37 (hg19) VCF-style: chr15-89753553-A-G.
Other names: short protein forms F306S.
Identifiers: ClinVar variation 1417729 (VCV001417729.6), dbSNP rs768417830, ClinGen allele CA7722144.

ClinVar aggregate classification (germline): Uncertain significance (1 of 4 stars; one submission).

Allele frequency attached by ClinVar (database versions not stated): gnomAD exomes below 0.00001; TOPMed below 0.00001; ExAC 0.00001.
gnomAD v4.1: 1 of 1,614,236 alleles (0.000062%); highest among the groups gnomAD compares: Non-Finnish European, 0.000085%; no homozygotes.

Submission:

Labcorp Genetics (formerly Invitae), Labcorp
Classification: Uncertain significance. Last evaluated: 2021-09-24. Review status: criteria provided, single submitter. Criteria: Invitae Variant Classification Sherloc (09022015). Collection method: clinical testing. Allele origin: germline.
Comment: This variant is present in population databases (rs768417830, ExAC 0.001%). This sequence change replaces phenylalanine with serine at codon 306 of the RLBP1 protein (p.Phe306Ser). The phenylalanine residue is highly conserved and there is a large physicochemical difference between phenylalanine and serine. In summary, the available evidence is currently insufficient to determine the role of this variant in disease. Therefore, it has been classified as a Variant of Uncertain Significance. Algorithms developed to predict the effect of missense changes on protein structure and function are either unavailable or do not agree on the potential impact of this missense change (SIFT: "Deleterious"; PolyPhen-2: "Benign"; Align-GVGD: "Class C55"). This variant has not been reported in the literature in individuals affected with RLBP1-related conditions.